The following is an entry in ClinVar:

ClinVar aggregate classification (germline): Uncertain significance (1 of 4 stars; one submission).

Conditions:
Inborn genetic diseases. Identifiers: MedGen C0950123, MeSH D030342.

Submission:

Ambry Genetics
Classification: Uncertain significance for Inborn genetic diseases. Last evaluated: 2025-11-15. Review status: criteria provided, single submitter. Criteria: Ambry Variant Classification Scheme 2023. Collection method: clinical testing. Allele origin: germline.
Comment: The p.V229M variant (also known as c.685G>A), located in coding exon 6 of the HAX1 gene, results from a G to A substitution at nucleotide position 685. The valine at codon 229 is replaced by methionine, an amino acid with highly similar properties. This amino acid position is conserved. In addition, the in silico prediction for this alteration is inconclusive. Based on the available evidence, the clinical significance of this variant remains unclear.

NM_006118.4(HAX1):c.685G>A (p.Val229Met)

Gene: HAX1 (HCLS1 associated protein X-1; plus strand). Cytogenetic location: 1q21.3.
Variant type: single nucleotide variant.
Coding change: c.685G>A on transcript NM_006118.4 (MANE Select); coding-DNA position 685, G replaced by A.
Protein change: p.Val229Met; replaces valine 229 with methionine.
Molecular consequence: missense variant.
Genome position (GRCh38, 1-based): chr1:154,275,414, G>A. VCF-style: chr1-154275414-G-A. GRCh37 (hg19) VCF-style: chr1-154247890-G-A.
Other names: c.541G>A, p.Val181Met (NM_001018837.2); short protein forms V181M, V229M.
Identifiers: ClinVar variation 4621340 (VCV004621340.1).
Genomic context (GRCh38, chr1:154,275,414, plus strand): 5'-TAGTAACATTCGGAATATGGTGGGGACTTCTCTTTGTAGATAGTGGAGGAGCGCCGGACT[G>A]TGGTGGACAGTGAGGGCCGGACAGAGACTACAGTAACCCGACACGAAGCAGATAGCAGTC-3'
Protein context (NP_006109.2, residues 219-239): PDGIVEERRT[Val229Met]VDSEGRTETT